The following is an entry in ClinVar:

ClinVar aggregate classification (germline): Conflicting classifications of pathogenicity. Review status: criteria provided, conflicting classifications (1 of 4 stars). 5 submissions from 5 submitters: Uncertain significance (4); Likely benign (1). Last evaluated 2025-11-10.

Conditions:
Inborn genetic diseases. Identifiers: MedGen C0950123, MeSH D030342.
Bethlem myopathy 1A. Also called: Bethlem Muscular Dystrophy; MYOPATHY, BENIGN CONGENITAL, WITH CONTRACTURES; Bethlem myopathy 1. Identifiers: Orphanet 610, MedGen CN029274, MONDO:0024530, OMIM 158810.

Allele frequency attached by ClinVar (database versions not stated): gnomAD 0.00001; ExAC 0.00002; gnomAD exomes 0.00002; TOPMed 0.00002.
gnomAD v4.1: 17 of 1,614,088 alleles (0.0011%); highest among the groups gnomAD compares: Admixed American, 0.0033%; no homozygotes.

Submissions (5):

Women's Health and Genetics/Laboratory Corporation of America, LabCorp
Classification: Uncertain significance. Last evaluated: 2025-11-10. Review status: criteria provided, single submitter. Criteria: LabCorp Variant Classification Summary - May 2015. Collection method: clinical testing. Allele origin: germline.
Comment: Variant summary: COL6A3 c.2932G>A (p.Ala978Thr) results in a non-conservative amino acid change in the encoded protein sequence. Algorithms developed to predict the effect of missense changes on protein structure and function all suggest that this variant is likely to be disruptive. The variant allele was found at a frequency of 2e-05 in 251492 control chromosomes. The available data on variant occurrences in the general population are insufficient to allow any conclusion about variant significance. To our knowledge, no occurrence of c.2932G>A in individuals affected with COL6A3-related conditions and no experimental evidence demonstrating its impact on protein function have been reported. ClinVar contains an entry for this variant (Variation ID: 291124). Based on the evidence outlined above, the variant was classified as uncertain significance.

Ambry Genetics
Classification: Uncertain significance for Inborn genetic diseases. Last evaluated: 2025-08-25. Review status: criteria provided, single submitter. Criteria: Ambry Variant Classification Scheme 2023. Collection method: clinical testing. Allele origin: germline.

Labcorp Genetics (formerly Invitae), Labcorp
Classification: Likely benign for Bethlem myopathy 1A. Last evaluated: 2025-01-06. Review status: criteria provided, single submitter. Criteria: Invitae Variant Classification Sherloc (09022015). Collection method: clinical testing. Allele origin: germline.

Revvity Omics, Revvity
Classification: Uncertain significance. Last evaluated: 2022-12-13. Review status: criteria provided, single submitter. Criteria: ACMG Guidelines, 2015. Collection method: clinical testing. Allele origin: germline.

Eurofins Ntd Llc (ga)
Classification: Uncertain significance. Last evaluated: 2018-08-23. Review status: criteria provided, single submitter. Criteria: EGL ClinVar v180209 classification definitions. Collection method: clinical testing. Allele origin: germline. Observed: 2 variant alleles, 2 heterozygotes.

NM_004369.4(COL6A3):c.2932G>A (p.Ala978Thr)

Gene: COL6A3 (collagen type VI alpha 3 chain; minus strand). Cytogenetic location: 2q37.3.
Variant type: single nucleotide variant.
Coding change: c.2932G>A on transcript NM_004369.4 (MANE Select); coding-DNA position 2932, G replaced by A.
Protein change: p.Ala978Thr; replaces alanine 978 with threonine.
Molecular consequence: missense variant.
Genome position (GRCh38, 1-based): chr2:237,376,910, C>T on the plus strand (G>A on the coding strand, the complement: COL6A3 is on the minus strand). VCF-style: chr2-237376910-C-T. GRCh37 (hg19) VCF-style: chr2-238285553-C-T.
Other names: c.2932G>A (NM_004369.3); c.1711G>A, p.Ala571Thr (NM_057164.5); c.2314G>A, p.Ala772Thr (NM_057165.5, NM_057167.4); c.1111G>A, p.Ala371Thr (NM_057166.5); short protein forms A978T, A371T, A772T, A571T.
Identifiers: ClinVar variation 291124 (VCV000291124.14), dbSNP rs768292803, ClinGen allele CA2189291.
Genomic context (GRCh38, chr2:237,376,910, plus strand): 5'-ACTCTGCAGCCAGGATAAACGCTGGAGACAGCACGATCTGCTCTAACTCAGCAGGGTCTG[C>T]GTTCTTGGCTTGGAAGATGAAAGGCACAACCCCACTCTGCTTCAGGTTACTTGCTGGCCC-3'
Protein context (NP_004360.2, residues 968-988): VVPFIFQAKN[Ala978Thr]DPAELEQIVL